The following is an entry in ClinVar:

ClinVar aggregate classification (germline): Conflicting classifications of pathogenicity. Review status: criteria provided, conflicting classifications (1 of 4 stars). 4 submissions from 4 submitters: Uncertain significance (2); Likely benign (2). Last evaluated 2026-01-05.

Conditions:
Congenital dyserythropoietic anemia, type II (CDAN2). Also called: DYSERYTHROPOIETIC ANEMIA, HEMPAS TYPE. Identifiers: Orphanet 98873, MedGen C1306589, MONDO:0009134, OMIM 224100.
Cowden syndrome 7 (CWS7). Identifiers: Orphanet 201, MedGen C4225179, MONDO:0014802, OMIM 616858.

Allele frequency attached by ClinVar (database versions not stated): gnomAD exomes 0.00004 and 0.00015; ESP Exome Variant Server 0.00008; ExAC 0.00017; gnomAD 0.00029 and 0.00031; 1000 Genomes Project 0.00040; TOPMed 0.00046; 1000 Genomes Project 30x 0.00062.
gnomAD v4.1: 112 of 1,581,772 alleles (0.0071%); highest among the groups gnomAD compares: African/African-American, 0.087%; 1 homozygote.

Submissions (4):

Labcorp Genetics (formerly Invitae), Labcorp
Classification: Likely benign for Congenital dyserythropoietic anemia, type II; Cowden syndrome 7. Last evaluated: 2026-01-05. Review status: criteria provided, single submitter. Criteria: Invitae Variant Classification Sherloc (09022015). Collection method: clinical testing. Allele origin: germline.

GeneDx
Classification: Uncertain significance. Last evaluated: 2024-02-15. Review status: criteria provided, single submitter. Criteria: GeneDx Variant Classification Process June 2021. Collection method: clinical testing. Allele origin: germline. Affected: yes.
Comment: In silico analysis supports that this missense variant does not alter protein structure/function; Has not been previously published as pathogenic or benign to our knowledge; In silico analysis is inconclusive as to whether the variant alters gene splicing. In the absence of RNA/functional studies, the actual effect of this sequence change is unknown.

Blueprint Genetics
Classification: Likely benign. Last evaluated: 2024-01-11. Review status: criteria provided, single submitter. Criteria: ACMG Guidelines, 2015. Collection method: clinical testing. Allele origin: germline.

Breakthrough Genomics
Classification: Uncertain significance. Review status: criteria provided, single submitter. Criteria: ACMG Guidelines, 2015. Collection method: not provided. Allele origin: germline. Inheritance: Autosomal dominant inheritance. Affected: yes.

NM_006363.6(SEC23B):c.358G>A (p.Val120Met)

Gene: SEC23B (SEC23 homolog B, COPII component; plus strand). Cytogenetic location: 20p11.23.
Variant type: single nucleotide variant.
Coding change: c.358G>A on transcript NM_006363.6 (MANE Select); coding-DNA position 358, G replaced by A.
Protein change: p.Val120Met; replaces valine 120 with methionine.
Molecular consequence: missense variant.
Genome position (GRCh38, 1-based): chr20:18,515,728, G>A. VCF-style: chr20-18515728-G-A. GRCh37 (hg19) VCF-style: chr20-18496372-G-A.
Other names: c.358G>A (NM_006363.4); c.358G>A, p.Val120Met (NM_001172745.3, NM_001172746.3, NM_032985.6 and 1 more transcripts); short protein forms V120M.
Identifiers: ClinVar variation 1047051 (VCV001047051.12), dbSNP rs372784283, ClinGen allele CA9778005.
Genomic context (GRCh38, chr20:18,515,728, plus strand): 5'-GGCATATCTGAGGTGAATCAACCTGCCGAATTGATGCCCCAGTTTTCTACAATTGAGTAC[G>A]TGATACAGGTAATTTCTTTGTTGTGCATTTAATGAGCAATGTTAAATACTGAATTTCTCT-3'
Protein context (NP_006354.2, residues 110-130): LMPQFSTIEY[Val120Met]IQRGAQSPLI